The following is an entry in ClinVar:

ClinVar aggregate classification (germline): Likely benign (0 of 4 stars; one submission).

Conditions:
CARD14-related disorder. Also called: CARD14-related condition.

Submission:

PreventionGenetics, part of Exact Sciences
Classification: Likely benign for CARD14-related condition. Last evaluated: 2022-12-15. Review status: no assertion criteria provided. Collection method: clinical testing. Allele origin: germline.
Comment: This variant is classified as likely benign based on ACMG/AMP sequence variant interpretation guidelines (Richards et al. 2015 PMID: 25741868, with internal and published modifications).

NM_001366385.1(CARD14):c.1979-26_1979-16del

Genes: CARD14 (caspase recruitment domain family member 14; plus strand), SGSH (N-sulfoglucosamine sulfohydrolase; minus strand). Cytogenetic location: 17q25.3.
Variant type: Microsatellite.
Coding change: c.1979-26_1979-16del on transcript NM_001366385.1 (MANE Select); 26 bases into the intron before coding-DNA position 1979 through 16 bases into the intron before coding-DNA position 1979, 11 bases deleted (CTGTGGCTCAT).
Molecular consequence: intron variant.
Genome position (GRCh38, 1-based): chr17:80,202,154-80,202,164, CTGTGGCTCAT deleted; deleting any 11 consecutive bases within chr17:80,202,141-80,202,164 gives the same sequence; the c. name uses the placement nearest the transcript's 3' end. VCF-style (leftmost placement, unchanged base first): chr17-80202140-TATCTGTGGCTC-T. GRCh37 (hg19) VCF-style: chr17-78175939-TATCTGTGGCTC-T.
Other names: c.1979-26_1979-16del (NM_024110.4, NM_001257970.1); c.1979-26_1979-16del11 (NM_024110.4).
Identifiers: ClinVar variation 3042687 (VCV003042687.2), dbSNP rs750861960, ClinGen allele CA8817149.